The following is an entry in ClinVar:

ClinVar aggregate classification (germline): Uncertain significance (1 of 4 stars; one submission).

Conditions:
Severe combined immunodeficiency due to CORO1A deficiency. Also called: Immunodeficiency 8; IMMUNODEFICIENCY 8 WITH LYMPHOPROLIFERATION. Identifiers: Orphanet 228003, MedGen C3809383, MONDO:0014168, OMIM 615401.

Allele frequency attached by ClinVar (database versions not stated): gnomAD exomes 0.00002 and 0.00004; gnomAD 0.00006 and 0.00007; TOPMed 0.00008.
gnomAD v4.1: 21 of 1,610,454 alleles (0.0013%); highest among the groups gnomAD compares: Admixed American, 0.035%; 1 homozygote.

Submission:

Labcorp Genetics (formerly Invitae), Labcorp
Classification: Uncertain significance for Severe combined immunodeficiency due to CORO1A deficiency. Last evaluated: 2022-03-11. Review status: criteria provided, single submitter. Criteria: Invitae Variant Classification Sherloc (09022015). Collection method: clinical testing. Allele origin: germline.
Comment: This sequence change replaces glutamic acid, which is acidic and polar, with lysine, which is basic and polar, at codon 213 of the CORO1A protein (p.Glu213Lys). This variant is present in population databases (no rsID available, gnomAD 0.03%), including at least one homozygous and/or hemizygous individual. This variant has not been reported in the literature in individuals affected with CORO1A-related conditions. Algorithms developed to predict the effect of missense changes on protein structure and function are either unavailable or do not agree on the potential impact of this missense change (SIFT: "Deleterious"; PolyPhen-2: "Probably Damaging"; Align-GVGD: "Class C0"). Algorithms developed to predict the effect of sequence changes on RNA splicing suggest that this variant may create or strengthen a splice site. In summary, the available evidence is currently insufficient to determine the role of this variant in disease. Therefore, it has been classified as a Variant of Uncertain Significance.

NM_007074.4(CORO1A):c.637G>A (p.Glu213Lys)

Genes: CORO1A (coronin 1A; plus strand), LOC121587541 (Sharpr-MPRA regulatory region 7413; plus strand). Cytogenetic location: 16p11.2.
Variant type: single nucleotide variant.
Coding change: c.637G>A on transcript NM_007074.4 (MANE Select); coding-DNA position 637, G replaced by A.
Protein change: p.Glu213Lys; replaces glutamic acid 213 with lysine.
Molecular consequence: missense variant.
Genome position (GRCh38, 1-based): chr16:30,187,382, G>A. VCF-style: chr16-30187382-G-A. GRCh37 (hg19) VCF-style: chr16-30198703-G-A.
Other names: c.637G>A, p.Glu213Lys (NM_001193333.3); short protein forms E213K.
Identifiers: ClinVar variation 1468284 (VCV001468284.5), dbSNP rs1305051349, ClinGen allele CA395495027.
Genomic context (GRCh38, chr16:30,187,382, plus strand): 5'-TGGGACTGGCCCCGTAGGGTATGTACGGGTGCCTGACCTACCACCTCCCTTTCCTTGCAG[G>A]AGAAGGACCGTCCCCACGAGGGGACCCGGCCCGTGCGTGCAGTGTTCGTGTCGGAGGGGA-3'
Protein context (NP_009005.1, residues 203-223): IEPRKGTVVA[Glu213Lys]KDRPHEGTRP